The following is an entry in ClinVar:

NM_001844.5(COL2A1):c.238A>G (p.Ile80Val)

Gene: COL2A1 (collagen type II alpha 1 chain; minus strand). Cytogenetic location: 12q13.11.
Variant type: single nucleotide variant.
Coding change: c.238A>G on transcript NM_001844.5 (MANE Select); coding-DNA position 238, A replaced by G.
Protein change: p.Ile80Val; replaces isoleucine 80 with valine.
Molecular consequence: missense variant. On other transcripts: intron variant (1).
Genome position (GRCh38, 1-based): chr12:47,999,973, T>C on the plus strand (A>G on the coding strand, the complement: COL2A1 is on the minus strand). VCF-style: chr12-47999973-T-C. GRCh37 (hg19) VCF-style: chr12-48393756-T-C.
Other names: c.86-1542A>G (NM_033150.3); short protein forms I80V.
Identifiers: ClinVar variation 5000643 (VCV005000643.1).

ClinVar aggregate classification (germline): Uncertain significance (1 of 4 stars; one submission).

Conditions:
COL2A1-related disorder. Also called: COL2A1-related condition; COL2A1-related disorders.

Submission:

PreventionGenetics, part of Exact Sciences
Classification: Uncertain significance for COL2A1-related condition. Last evaluated: 2026-06-24. Review status: criteria provided, single submitter. Criteria: ACMG Guidelines, 2015. Collection method: clinical testing. Allele origin: germline.
Comment: The COL2A1 c.238A>G variant is predicted to result in the amino acid substitution p.Ile80Val. To our knowledge, this variant has not been reported in the literature or in a large population database (gnomAD), indicating this variant is rare. At this time, the clinical significance of this variant is uncertain due to the absence of conclusive functional and genetic evidence.